The following is an entry in ClinVar:

NM_006516.4(SLC2A1):c.278G>A (p.Arg93Gln)

Gene: SLC2A1 (solute carrier family 2 member 1; minus strand). Cytogenetic location: 1p34.2.
Variant type: single nucleotide variant.
Coding change: c.278G>A on transcript NM_006516.4 (MANE Select); coding-DNA position 278, G replaced by A.
Protein change: p.Arg93Gln; replaces arginine 93 with glutamine.
Molecular consequence: missense variant.
Genome position (GRCh38, 1-based): chr1:42,930,864, C>T on the plus strand (G>A on the coding strand, the complement: SLC2A1 is on the minus strand). VCF-style: chr1-42930864-C-T. GRCh37 (hg19) VCF-style: chr1-43396535-C-T.
Other names: c.278G>A (NM_006516.2); short protein forms R93Q.
Identifiers: ClinVar variation 623684 (VCV000623684.54), dbSNP rs80359815, ClinGen allele CA21252168.

ClinVar aggregate classification (germline): Conflicting classifications of pathogenicity. Review status: criteria provided, conflicting classifications (1 of 4 stars). 4 submissions from 4 submitters: Pathogenic (1); Likely pathogenic (1); Uncertain significance (2). Last evaluated 2026-08-30.

Conditions:
GLUT1 deficiency syndrome 1, autosomal recessive. Identifiers: MedGen C3149117.

Allele frequency attached by ClinVar (database versions not stated): gnomAD exomes below 0.00001; gnomAD 0.00001.
gnomAD v4.1: 2 of 1,600,774 alleles (0.00012%); highest among the groups gnomAD compares: Admixed American, 0.0017%; no homozygotes.

Submissions (4):

GeneDx
Classification: Likely pathogenic. Last evaluated: 2026-08-30. Review status: criteria provided, single submitter. Criteria: GeneDx Variant Classification Process June 2021. Collection method: clinical testing. Allele origin: germline.
Comment: Reported in patients with paroxysmal dyskinesia and in a patient with learning disability in published literature; however, information about parental testing was not provided (PMID: 25616474, 32753446); Not observed at significant frequency in large population cohorts (gnomAD); In silico analysis supports a deleterious effect on splicing; In silico analysis suggests that this missense variant does not alter protein structure/function; This variant is associated with the following publications: (PMID: 22190371, 32753446, 25616474, 18387950, 40754606)

Labcorp Genetics (formerly Invitae), Labcorp
Classification: Pathogenic for GLUT1 deficiency syndrome 1, autosomal recessive. Last evaluated: 2025-08-12. Review status: criteria provided, single submitter. Criteria: Invitae Variant Classification Sherloc (09022015). Collection method: clinical testing. Allele origin: germline.
Comment: This sequence change replaces arginine, which is basic and polar, with glutamine, which is neutral and polar, at codon 93 of the SLC2A1 protein (p.Arg93Gln). This variant is present in population databases (rs80359815, gnomAD 0.003%). This missense change has been observed in individual(s) with autosomal dominant GLUT1-deficiency syndrome (PMID: 18387950). ClinVar contains an entry for this variant (Variation ID: 623684). An algorithm developed to predict the effect of missense changes on protein structure and function (PolyPhen-2) suggests that this variant is likely to be disruptive. Algorithms developed to predict the effect of sequence changes on RNA splicing suggest that this variant may create or strengthen a splice site. This variant disrupts the p.Arg93 amino acid residue in SLC2A1. Other variant(s) that disrupt this residue have been determined to be pathogenic (PMID: 18403583, 19996082, 20129935, 23106342, 23448551). This suggests that this residue is clinically significant, and that variants that disrupt this residue are likely to be disease-causing. For these reasons, this variant has been classified as Pathogenic.

Mendelics
Classification: Uncertain significance. Last evaluated: 2022-05-04. Review status: criteria provided, single submitter. Criteria: Mendelics Assertion Criteria 2019. Collection method: clinical testing. Allele origin: germline.

CeGaT Center for Human Genetics Tuebingen
Classification: Uncertain significance. Last evaluated: 2018-06-01. Review status: criteria provided, single submitter. Criteria: CeGaT Center For Human Genetics Tuebingen Variant Classification Criteria Version 2. Collection method: clinical testing. Allele origin: germline. Affected: yes. Observed: 1 variant allele.

Literature cited by the submitters: PubMed 18387950 (cited by Labcorp Genetics (formerly Invitae), Labcorp); PubMed 18403583 (cited by Labcorp Genetics (formerly Invitae), Labcorp); PubMed 19996082 (cited by Labcorp Genetics (formerly Invitae), Labcorp); PubMed 20129935 (cited by Labcorp Genetics (formerly Invitae), Labcorp); PubMed 23106342 (cited by Labcorp Genetics (formerly Invitae), Labcorp); PubMed 23448551 (cited by Labcorp Genetics (formerly Invitae), Labcorp).